The following is an entry in ClinVar:

NM_015215.4(CAMTA1):c.3226G>A (p.Gly1076Ser)

Gene: CAMTA1 (calmodulin binding transcription activator 1; plus strand). Cytogenetic location: 1p36.23.
Variant type: single nucleotide variant.
Coding change: c.3226G>A on transcript NM_015215.4 (MANE Select); coding-DNA position 3226, G replaced by A.
Protein change: p.Gly1076Ser; replaces glycine 1076 with serine.
Molecular consequence: missense variant.
Genome position (GRCh38, 1-based): chr1:7,736,503, G>A. VCF-style: chr1-7736503-G-A. GRCh37 (hg19) VCF-style: chr1-7796563-G-A.
Other names: c.3154G>A, p.Gly1052Ser (NM_001410738.1); c.298G>A, p.Gly100Ser (NM_001349619.2, NM_001349620.1, NM_001349621.1 and 10 more transcripts); c.3226G>A, p.Gly1076Ser (NM_001410737.1, NM_001349609.2, NM_001349610.2); c.3136G>A, p.Gly1046Ser (NM_001349608.2, NM_001349612.2); c.355G>A, p.Gly119Ser (NM_001349613.1); short protein forms G100S, G1076S, G119S, G1052S, G1046S.
Identifiers: ClinVar variation 2828182 (VCV002828182.3), dbSNP rs2523162808, ClinGen allele CA338122753.

ClinVar aggregate classification (germline): Uncertain significance (1 of 4 stars; one submission).

Submission:

Labcorp Genetics (formerly Invitae), Labcorp
Classification: Uncertain significance. Last evaluated: 2023-10-03. Review status: criteria provided, single submitter. Criteria: Invitae Variant Classification Sherloc (09022015). Collection method: clinical testing. Allele origin: germline.
Comment: This sequence change replaces glycine, which is neutral and non-polar, with serine, which is neutral and polar, at codon 1076 of the CAMTA1 protein (p.Gly1076Ser). This variant is not present in population databases (gnomAD no frequency). This variant has not been reported in the literature in individuals affected with CAMTA1-related conditions. An algorithm developed to predict the effect of missense changes on protein structure and function (PolyPhen-2) suggests that this variant is likely to be disruptive. In summary, the available evidence is currently insufficient to determine the role of this variant in disease. Therefore, it has been classified as a Variant of Uncertain Significance.